The following is an entry in ClinVar:

NM_001014342.3(FLG2):c.4088C>T (p.Pro1363Leu)

Genes: CCDST (cervical cancer associated DHX9 suppressive transcript; plus strand), FLG2 (filaggrin 2; minus strand). Cytogenetic location: 1q21.3.
Variant type: single nucleotide variant.
Coding change: c.4088C>T on transcript NM_001014342.3 (MANE Select); coding-DNA position 4088, C replaced by T.
Protein change: p.Pro1363Leu; replaces proline 1363 with leucine.
Molecular consequence: missense variant.
Genome position (GRCh38, 1-based): chr1:152,353,698, G>A on the plus strand (C>T on the coding strand, the complement: FLG2 is on the minus strand). VCF-style: chr1-152353698-G-A. GRCh37 (hg19) VCF-style: chr1-152326174-G-A.
Other names: short protein forms P1363L.
Identifiers: ClinVar variation 4875201 (VCV004875201.2).

ClinVar aggregate classification (germline): Uncertain significance (1 of 4 stars; one submission).

gnomAD v4.1: 1 of 1,613,648 alleles (0.000062%); highest among the groups gnomAD compares: African/African-American, 0.0013%; no homozygotes.

Submission:

CeGaT Center for Human Genetics Tuebingen
Classification: Uncertain significance. Last evaluated: 2026-06-01. Review status: criteria provided, single submitter. Criteria: CeGaT Center For Human Genetics Tuebingen Variant Classification Criteria Version 2. Collection method: clinical testing. Allele origin: germline. Affected: yes. Observed: 1 variant allele.
Comment: FLG2: PM2, BP4